The following is an entry in ClinVar:

NM_001080421.3(UNC13A):c.4540C>G (p.Gln1514Glu)

Gene: UNC13A (unc-13 homolog A; minus strand). Cytogenetic location: 19p13.11.
Variant type: single nucleotide variant.
Coding change: c.4540C>G on transcript NM_001080421.3 (MANE Select); coding-DNA position 4540, C replaced by G.
Protein change: p.Gln1514Glu; replaces glutamine 1514 with glutamic acid.
Molecular consequence: missense variant.
Genome position (GRCh38, 1-based): chr19:17,617,720, G>C on the plus strand (C>G on the coding strand, the complement: UNC13A is on the minus strand). VCF-style: chr19-17617720-G-C. GRCh37 (hg19) VCF-style: chr19-17728529-G-C.
Other names: c.4528C>G, p.Gln1510Glu (NM_001387021.1); c.4525C>G, p.Gln1509Glu (NM_001387022.1); c.4459C>G, p.Gln1487Glu (NM_001387023.1); short protein forms Q1487E, Q1509E, Q1510E, Q1514E.
Identifiers: ClinVar variation 4539899 (VCV004539899.1).
Genomic context (GRCh38, chr19:17,617,720, plus strand): 5'-TCCGCGGAGCGGGAAAGGGTGATGCGGTCTGGGTACCCTTACCCTGGGCCGATTGCGTCT[G>C]TACAAAGGTCTTGATTAGCAGGTCGGTGGCCTGCGTGTAGAGCGACAGGGCATAGCGCAA-3'
Protein context (NP_001073890.2, residues 1504-1524): ATDLLIKTFV[Gln1514Glu]TQSAQGLGVE

ClinVar aggregate classification (germline): Uncertain significance (1 of 4 stars; one submission).

gnomAD v4.1: 2 of 1,613,994 alleles (0.00012%); highest among the groups gnomAD compares: Non-Finnish European, 0.00017%; no homozygotes.

Submission:

GeneDx
Classification: Uncertain significance. Last evaluated: 2025-06-26. Review status: criteria provided, single submitter. Criteria: GeneDx Variant Classification Process June 2021. Collection method: clinical testing. Allele origin: germline. Affected: yes.
Comment: Not observed at significant frequency in large population cohorts (gnomAD); In silico analysis suggests that this missense variant does not alter protein structure/function; Has not been previously published as pathogenic or benign to our knowledge